The following is an entry in ClinVar:

ClinVar aggregate classification (germline): Uncertain significance. Review status: criteria provided, multiple submitters, no conflicts (2 of 4 stars). 2 submissions from 2 submitters: Uncertain significance (2). Last evaluated 2023-07-30.

Conditions:
Episodic ataxia type 2 (EA2). Also called: ATAXIA, EPISODIC, WITH NYSTAGMUS; ATAXIA, FAMILIAL PAROXYSMAL; CEREBELLAR ATAXIA, PAROXYSMAL, ACETAZOLAMIDE-RESPONSIVE; CEREBELLOPATHY, HEREDITARY PAROXYSMAL; EPISODIC ATAXIA, NYSTAGMUS-ASSOCIATED; ACETAZOLAMIDE-RESPONSIVE HEREDITARY PAROXYSMAL CEREBELLAR ATAXIA. Identifiers: Orphanet 97, MedGen C1720416, MONDO:0007163, OMIM 108500.
Developmental and epileptic encephalopathy, 42 (DEE42A). Also called: DEVELOPMENTAL AND EPILEPTIC ENCEPHALOPATHY 42A; EPILEPTIC ENCEPHALOPATHY, EARLY INFANTILE, 42A; Epileptic encephalopathy, early infantile, 42. Identifiers: MedGen C4310716, MONDO:0014917, OMIM 617106.

Allele frequency attached by ClinVar (database versions not stated): TOPMed below 0.00001; gnomAD 0.00001.

Submissions (2):

Labcorp Genetics (formerly Invitae), Labcorp
Classification: Uncertain significance for Developmental and epileptic encephalopathy, 42; Episodic ataxia type 2. Last evaluated: 2023-07-30. Review status: criteria provided, single submitter. Criteria: Invitae Variant Classification Sherloc (09022015). Collection method: clinical testing. Allele origin: germline.
Comment: Advanced modeling of protein sequence and biophysical properties (such as structural, functional, and spatial information, amino acid conservation, physicochemical variation, residue mobility, and thermodynamic stability) has been performed at Invitae for this missense variant, however the output from this modeling did not meet the statistical confidence thresholds required to predict the impact of this variant on CACNA1A protein function. In summary, the available evidence is currently insufficient to determine the role of this variant in disease. Therefore, it has been classified as a Variant of Uncertain Significance. ClinVar contains an entry for this variant (Variation ID: 1803602). This variant has not been reported in the literature in individuals affected with CACNA1A-related conditions. This variant is not present in population databases (gnomAD no frequency). This sequence change replaces arginine, which is basic and polar, with tryptophan, which is neutral and slightly polar, at codon 1983 of the CACNA1A protein (p.Arg1983Trp).

GeneDx
Classification: Uncertain significance. Last evaluated: 2022-06-07. Review status: criteria provided, single submitter. Criteria: GeneDx Variant Classification Process June 2021. Collection method: clinical testing. Allele origin: germline. Affected: yes.
Comment: Not observed at significant frequency in large population cohorts (gnomAD); In silico analysis supports that this missense variant has a deleterious effect on protein structure/function; Has not been previously published as pathogenic or benign to our knowledge

NM_001127222.2(CACNA1A):c.5944C>T (p.Arg1982Trp)

Gene: CACNA1A (calcium voltage-gated channel subunit alpha1 A; minus strand). Cytogenetic location: 19p13.13.
Variant type: single nucleotide variant.
Coding change: c.5944C>T on transcript NM_001127222.2 (MANE Select); coding-DNA position 5944, C replaced by T.
Protein change: p.Arg1982Trp; replaces arginine 1982 with tryptophan.
Molecular consequence: missense variant.
Genome position (GRCh38, 1-based): chr19:13,212,737, G>A on the plus strand (C>T on the coding strand, the complement: CACNA1A is on the minus strand). VCF-style: chr19-13212737-G-A. GRCh37 (hg19) VCF-style: chr19-13323551-G-A.
Other names: c.5962C>T, p.Arg1988Trp (NM_000068.4, NM_023035.3); c.5947C>T, p.Arg1983Trp (NM_001127221.2); c.5953C>T, p.Arg1985Trp (NM_001174080.2); short protein forms R1982W, R1983W, R1985W, R1988W.
Identifiers: ClinVar variation 1803602 (VCV001803602.4), dbSNP rs1398440183, ClinGen allele CA404333680.